The following is an entry in ClinVar:

NM_000038.6(APC):c.7311A>C (p.Leu2437Phe)

Gene: APC (APC regulator of Wnt signaling pathway; plus strand). Cytogenetic location: 5q22.2.
Variant type: single nucleotide variant.
Coding change: c.7311A>C on transcript NM_000038.6 (MANE Select); coding-DNA position 7311, A replaced by C.
Protein change: p.Leu2437Phe; replaces leucine 2437 with phenylalanine.
Molecular consequence: missense variant.
Genome position (GRCh38, 1-based): chr5:112,842,905, A>C. VCF-style: chr5-112842905-A-C. GRCh37 (hg19) VCF-style: chr5-112178602-A-C.
Other names: c.7311A>C, p.Leu2437Phe (NM_001127510.3, NM_001354895.2); c.7257A>C, p.Leu2419Phe (NM_001127511.3); c.7365A>C, p.Leu2455Phe (NM_001354896.2); c.7341A>C, p.Leu2447Phe (NM_001354897.2); c.7236A>C, p.Leu2412Phe (NM_001354898.2); c.7227A>C, p.Leu2409Phe (NM_001354899.2); c.7188A>C, p.Leu2396Phe (NM_001354900.2); c.7134A>C, p.Leu2378Phe (NM_001354901.2); and 5 more; short protein forms L2336F, L2346F, L2378F, L2447F, L2154F, L2277F, L2311F, L2412F.
Identifiers: ClinVar variation 649201 (VCV000649201.14), dbSNP rs745815339, ClinGen allele CA047753.

ClinVar aggregate classification (germline): Uncertain significance. Review status: criteria provided, multiple submitters, no conflicts (2 of 4 stars). 2 submissions from 2 submitters: Uncertain significance (2). Last evaluated 2024-01-29.

Conditions:
Hereditary cancer-predisposing syndrome. Also called: Neoplastic Syndromes, Hereditary; Tumor predisposition; Hereditary Cancer Syndrome; Hereditary neoplastic syndrome. Identifiers: Orphanet 140162, MedGen C0027672, MeSH D009386, MONDO:0015356.
Familial adenomatous polyposis 1 (FAP1). Also called: FAMILIAL ADENOMATOUS POLYPOSIS 1, ATTENUATED; POLYPOSIS, ADENOMATOUS INTESTINAL. Identifiers: MedGen C2713442, MONDO:0021056, OMIM 175100. Disease mechanism: loss of function.

Allele frequency attached by ClinVar (database versions not stated): gnomAD exomes below 0.00001; ExAC 0.00002.
gnomAD v4.1: 2 of 1,614,094 alleles (0.00012%); highest among the groups gnomAD compares: Non-Finnish European, 0.00017%; no homozygotes.

Submissions (2):

Ambry Genetics
Classification: Uncertain significance for Hereditary cancer-predisposing syndrome. Last evaluated: 2024-01-29. Review status: criteria provided, single submitter. Criteria: Ambry Variant Classification Scheme 2023. Collection method: clinical testing. Allele origin: germline.
Comment: The p.L2437F variant (also known as c.7311A>C), located in coding exon 15 of the APC gene, results from an A to C substitution at nucleotide position 7311. The leucine at codon 2437 is replaced by phenylalanine, an amino acid with highly similar properties. This amino acid position is highly conserved in available vertebrate species. In addition, in silico predictors for this gene do not accurately predict pathogenicity. Since supporting evidence is limited at this time, the clinical significance of this alteration remains unclear.

Labcorp Genetics (formerly Invitae), Labcorp
Classification: Uncertain significance for Familial adenomatous polyposis 1. Last evaluated: 2022-11-23. Review status: criteria provided, single submitter. Criteria: Invitae Variant Classification Sherloc (09022015). Collection method: clinical testing. Allele origin: germline.
Comment: ClinVar contains an entry for this variant (Variation ID: 649201). Advanced modeling of protein sequence and biophysical properties (such as structural, functional, and spatial information, amino acid conservation, physicochemical variation, residue mobility, and thermodynamic stability) performed at Invitae indicates that this missense variant is not expected to disrupt APC protein function. In summary, the available evidence is currently insufficient to determine the role of this variant in disease. Therefore, it has been classified as a Variant of Uncertain Significance. This variant has not been reported in the literature in individuals affected with APC-related conditions. This sequence change replaces leucine, which is neutral and non-polar, with phenylalanine, which is neutral and non-polar, at codon 2437 of the APC protein (p.Leu2437Phe). This variant is present in population databases (rs745815339, gnomAD 0.0009%).